The following is an entry in ClinVar:

ClinVar aggregate classification (germline): Conflicting classifications of pathogenicity. Review status: criteria provided, conflicting classifications (1 of 4 stars). 14 submissions from 14 submitters: Pathogenic (1); Likely pathogenic (5); Uncertain significance (7). 1 of the submissions does not count toward it. Last evaluated 2026-09-08.

Conditions:
GJB2-related disorder. Also called: GJB2-related condition; GJB2-related disorders. Identifiers: MedGen CN382183, MONDO:1060236.
Autosomal recessive nonsyndromic hearing loss 1A (DFNB1A). Also called: GJB2-Related Autosomal Recessive Nonsyndromic Hearing Loss; GJB6-Related DFNB 1 Nonsyndromic Hearing Loss and Deafness; Deafness, autosomal recessive 1A; Connexin 26 deafness; Deafness nonsyndromic, Connexin 26 linked; Nonsyndromic Hearing Loss and Deafness, DFNB1. Identifiers: Orphanet 90636, MedGen C2673759, MONDO:0009076, OMIM 220290.

Allele frequency attached by ClinVar (database versions not stated): TOPMed 0.00007; 1000 Genomes Project 0.00040; 1000 Genomes Project 30x 0.00062.
gnomAD v4.1: 113 of 1,613,698 alleles (0.007%); highest among the groups gnomAD compares: Admixed American, 0.17%; no homozygotes.

Submissions 1 to 6 of 14:

GeneDx
Classification: Pathogenic. Last evaluated: 2026-09-08. Review status: criteria provided, single submitter. Criteria: GeneDx Variant Classification Process June 2021. Collection method: clinical testing. Allele origin: germline.
Comment: Published functional studies suggest a damaging effect (PMID: 26749107); In silico analysis supports that this missense variant has a deleterious effect on protein structure/function; This variant is associated with the following publications: (PMID: 30245029, 25388846, 17041943, 26540915, 27466889, 32596493, 29773520, 34652575, 26346709, 34599368, 37892203, 36048236, 37106706, 26749107)

Women's Health and Genetics/Laboratory Corporation of America, LabCorp
Classification: Likely pathogenic for Autosomal recessive nonsyndromic hearing loss 1A. Last evaluated: 2026-06-03. Review status: criteria provided, single submitter. Criteria: LabCorp Variant Classification Summary - May 2015. Collection method: clinical testing. Allele origin: germline.
Comment: Variant summary: GJB2 c.380G>T (p.Arg127Leu) results in a non-conservative amino acid change in the encoded protein sequence. Algorithms developed to predict the effect of missense changes on protein structure and function all suggest that this variant is likely to be disruptive. The variant allele was found at a frequency of 0.00028 in 250364 control chromosomes, predominantly at a frequency of 0.0019 within the Latino subpopulation in the gnomAD database. This frequency is not significantly higher than estimated for disease-causing variants in GJB2, allowing no conclusion about variant significance. c.380G>T has been observed in individuals affected with Non-Syndromic Hearing Loss (e.g. Carranza_2015, Felix_2019, Batissoco_2022, Internal data). These data indicate that the variant may be associated with disease. At least one publication reports experimental evidence evaluating an impact on protein function showing a defect in channel permeability (Kim_2016). Additionally, a different variant affecting the same codon has been classified as likely pathogenic by our lab (c.379C>T, p.Arg127Cys), supporting the critical relevance of codon 127 to GJB2 protein function. The following publications have been ascertained in the context of this evaluation (PMID: 17041943, 26346709, 26540915, 26749107, 29773520, 30245029, 34599368). ClinVar contains an entry for this variant (Variation ID: 195204). Based on the evidence outlined above, the variant was classified as likely pathogenic.

PreventionGenetics, part of Exact Sciences
Classification: Uncertain significance for GJB2-related condition. Last evaluated: 2026-04-08. Review status: criteria provided, single submitter. Criteria: ACMG Guidelines, 2015. Collection method: clinical testing. Allele origin: germline.
Comment: The GJB2 c.380G>T variant is predicted to result in the amino acid substitution p.Arg127Leu. This variant has been reported along with a pathogenic GJB2 variant in one individual with mild congenital hearing loss (Table S4 & S6, Batissoco et al. 2021. PubMed ID: 34599368) and in an individual with congenital hearing loss without a second potentially causative variant (Felix et al. 2017. PubMed ID: 29773520). Another study reported this variant in the heterozygous state in control individuals and did not find the variant in any individuals with hearing impairment (Tang et al. 2006. PubMed ID: 17041943). An in vitro functional study showed p.Arg127Leu gap junctions functioned similar to wild type in the heterozygous state; however, displayed significant functional impairment in the homozygous state (Kim et al. 2016. PubMed ID: 26749107). This variant is reported in 0.19% of alleles in individuals of Latino descent in gnomAD and is classified as uncertain to pathogenic in ClinVar (Variation ID: 195204). At this time, the clinical significance of this variant is uncertain due to the absence of conclusive functional and genetic evidence.

Variantyx, Inc.
Classification: Likely pathogenic for Autosomal recessive nonsyndromic hearing loss 1A. Last evaluated: 2026-01-16. Review status: criteria provided, single submitter. Criteria: Variantyx Assertion Criteria 2022. Collection method: clinical testing. Allele origin: germline. Inheritance: Autosomal recessive inheritance. Affected: yes.
Comment: This is a nonsynonymous variant in the GJB2 gene (OMIM: 121011). Pathogenic variants in this gene have been associated with autosomal recessive hearing loss 1A. It has also been reported in at least two affected individuals who carried a second variant in this gene; however, the phase of these variants could not be determined (PMID 17041943,¬†34599368) (PM3). Functional studies have shown that this variant alters GJB2 protein function (PMID: 26749107) (PS3_Moderate). Alternate amino acid change(s) at this position (p.Arg127Cys) have been previously reported in similarly affected individuals, which suggests that this residue is biologically important (PMID:11587277, 17041943, 26896187) (PM5). Computational algorithms produce conflicting evidence regarding the predicted functional impact of this variant (REVEL score: 0.55). This variant has a 0.1733% maximum allele frequency in non-founder control populations. Based on the genomic data, these variants are in trans.

Labcorp Genetics (formerly Invitae), Labcorp
Classification: Likely pathogenic. Last evaluated: 2026-01-14. Review status: criteria provided, single submitter. Criteria: Invitae Variant Classification Sherloc (09022015). Collection method: clinical testing. Allele origin: germline.
Comment: This sequence change replaces arginine, which is basic and polar, with leucine, which is neutral and non-polar, at codon 127 of the GJB2 protein (p.Arg127Leu). This variant is present in population databases (rs111033196, gnomAD 0.2%). This missense change has been observed in individual(s) with deafness (PMID: 26346709, 29773520; internal data). In at least one individual the data is consistent with being in trans (on the opposite chromosome) from a pathogenic variant. ClinVar contains an entry for this variant (Variation ID: 195204). Invitae Evidence Modeling of protein sequence and biophysical properties (such as structural, functional, and spatial information, amino acid conservation, physicochemical variation, residue mobility, and thermodynamic stability) has been performed for this missense variant. However, the output from this modeling did not meet the statistical confidence thresholds required to predict the impact of this variant on GJB2 protein function. Experimental studies have shown that this missense change affects GJB2 function (PMID: 26749107). In summary, the currently available evidence indicates that the variant is pathogenic, but additional data are needed to prove that conclusively. Therefore, this variant has been classified as Likely Pathogenic.

Natera, Inc.
Classification: Likely pathogenic for Autosomal recessive deafness type 1A. Last evaluated: 2025-08-01. Review status: criteria provided, single submitter. Criteria: Natera Variant Classification Schema (03/2026). Collection method: clinical testing. Allele origin: germline.
Comment: The c.380G>T variant in GJB2 is a missense variant predicted to cause substitution of arginine to leucine at amino acid 127. This variant is rare in the general population with a frequency below the threshold expected for the associated phenotype(s). This variant has been observed in one or more individuals affected with the associated recessive disease, as either homozygous or compound heterozygous with a second variant (PMID: 34599368, 32596493, 28651654). A different variant at the same position has been determined to be Pathogenic or Likely Pathogenic. Given the available evidence, this variant is classified as Likely Pathogenic.

NM_004004.6(GJB2):c.380G>T (p.Arg127Leu)

Gene: GJB2 (gap junction protein beta 2; minus strand). Cytogenetic location: 13q12.11.
Variant type: single nucleotide variant.
Coding change: c.380G>T on transcript NM_004004.6 (MANE Select); coding-DNA position 380, G replaced by T.
Protein change: p.Arg127Leu; replaces arginine 127 with leucine.
Molecular consequence: missense variant.
Genome position (GRCh38, 1-based): chr13:20,189,202, C>A on the plus strand (G>T on the coding strand, the complement: GJB2 is on the minus strand). VCF-style: chr13-20189202-C-A. GRCh37 (hg19) VCF-style: chr13-20763341-C-A.
Other names: short protein forms R127L.
Identifiers: ClinVar variation 195204 (VCV000195204.38), dbSNP rs111033196, ClinGen allele CA241521.